The following is an entry in ClinVar:

NM_000051.4(ATM):c.1858T>C (p.Cys620Arg)

Gene: ATM (ATM serine/threonine kinase; plus strand). Cytogenetic location: 11q22.3.
Variant type: single nucleotide variant.
Coding change: c.1858T>C on transcript NM_000051.4 (MANE Select); coding-DNA position 1858, T replaced by C.
Protein change: p.Cys620Arg; replaces cysteine 620 with arginine.
Molecular consequence: missense variant.
Genome position (GRCh38, 1-based): chr11:108,252,872, T>C. VCF-style: chr11-108252872-T-C. GRCh37 (hg19) VCF-style: chr11-108123599-T-C.
Other names: c.1858T>C, p.Cys620Arg (NM_001351834.2); short protein forms C620R.
Identifiers: ClinVar variation 1038043 (VCV001038043.11), dbSNP rs2080230578, ClinGen allele CA382535907.

ClinVar aggregate classification (germline): Uncertain significance. Review status: criteria provided, multiple submitters, no conflicts (2 of 4 stars). 3 submissions from 3 submitters: Uncertain significance (3). Last evaluated 2024-04-29.

Conditions:
Familial cancer of breast. Also called: Hereditary breast cancer; hereditary breast carcinoma; BREAST CANCER, FAMILIAL. Identifiers: Orphanet 227535, MedGen C0346153, MONDO:0016419, OMIM 114480. Disease mechanism: loss of function.
Ataxia-telangiectasia syndrome (AT). Also called: Ataxia-telangiectasia, complementation group D; ATAXIA-TELANGIECTASIA, COMPLEMENTATION GROUP A; ATAXIA-TELANGIECTASIA, FRESNO VARIANT; Ataxia-telangiectasia; Ataxia-telangiectasia, complementation group E; LOUIS-BAR SYNDROME. Identifiers: Orphanet 100, MedGen C0004135, MONDO:0008840, OMIM 208900.

Submissions (3):

Labcorp Genetics (formerly Invitae), Labcorp
Classification: Uncertain significance for Ataxia-telangiectasia syndrome. Last evaluated: 2024-04-29. Review status: criteria provided, single submitter. Criteria: Invitae Variant Classification Sherloc (09022015). Collection method: clinical testing. Allele origin: germline.
Comment: This sequence change replaces cysteine, which is neutral and slightly polar, with arginine, which is basic and polar, at codon 620 of the ATM protein (p.Cys620Arg). This variant is not present in population databases (gnomAD no frequency). This variant has not been reported in the literature in individuals affected with ATM-related conditions. ClinVar contains an entry for this variant (Variation ID: 1038043). An algorithm developed to predict the effect of missense changes on protein structure and function (PolyPhen-2) suggests that this variant is likely to be tolerated. In summary, the available evidence is currently insufficient to determine the role of this variant in disease. Therefore, it has been classified as a Variant of Uncertain Significance.

Baylor Genetics
Classification: Uncertain significance for Familial cancer of breast. Last evaluated: 2023-08-09. Review status: criteria provided, single submitter. Criteria: ACMG Guidelines, 2015. Collection method: clinical testing. Allele origin: unknown.

GeneDx
Classification: Uncertain significance. Last evaluated: 2022-04-27. Review status: criteria provided, single submitter. Criteria: GeneDx Variant Classification Process June 2021. Collection method: clinical testing. Allele origin: germline. Affected: yes.
Comment: Not observed at significant frequency in large population cohorts (gnomAD); In silico analysis supports that this missense variant has a deleterious effect on protein structure/function; Has not been previously published as pathogenic or benign to our knowledge